The following is an entry in ClinVar:

ClinVar aggregate classification (germline): Likely benign. Review status: criteria provided, multiple submitters, no conflicts (2 of 4 stars). 2 submissions from 2 submitters: Likely benign (2). Last evaluated 2018-06-16.

Allele frequency attached by ClinVar (database versions not stated): gnomAD 0.00891 and 0.00941; TOPMed 0.00963; 1000 Genomes Project 0.01118; 1000 Genomes Project 30x 0.01124.
gnomAD v4.1: 1,349 of 152,236 alleles (0.89%); highest among the groups gnomAD compares: African/African-American, 2.7%; 11 homozygotes.

Submissions (2):

GeneDx
Classification: Likely benign. Last evaluated: 2018-06-16. Review status: criteria provided, single submitter. Criteria: GeneDx Variant Classification (06012015). Collection method: clinical testing. Allele origin: germline. Affected: yes.
Comment: This variant is considered likely benign or benign based on one or more of the following criteria: it is a conservative change, it occurs at a poorly conserved position in the protein, it is predicted to be benign by multiple in silico algorithms, and/or has population frequency not consistent with disease.

Breakthrough Genomics
Classification: Likely benign. Review status: criteria provided, single submitter. Criteria: ACMG Guidelines, 2015. Collection method: not provided. Allele origin: germline. Inheritance: Autosomal recessive inheritance. Affected: yes.

NM_182961.4(SYNE1):c.26002-205C>T

Gene: SYNE1 (spectrin repeat containing nuclear envelope protein 1; minus strand). Cytogenetic location: 6q25.2.
Variant type: single nucleotide variant.
Coding change: c.26002-205C>T on transcript NM_182961.4 (MANE Select); 205 bases into the intron before coding-DNA position 26002, C replaced by T.
Molecular consequence: intron variant.
Genome position (GRCh38, 1-based): chr6:152,132,419, G>A on the plus strand (C>T on the coding strand, the complement: SYNE1 is on the minus strand). VCF-style: chr6-152132419-G-A. GRCh37 (hg19) VCF-style: chr6-152453554-G-A.
Other names: c.25858-205C>T (NM_033071.5); c.2608-205C>T (NM_001347701.2); c.2536-205C>T (NM_001347702.2).
Identifiers: ClinVar variation 678386 (VCV000678386.2), dbSNP rs78151231, ClinGen allele CA150160671.